The following is an entry in ClinVar:

NM_001001671.4(MAP3K15):c.1621C>T (p.Gln541Ter)

Gene: MAP3K15 (mitogen-activated protein kinase kinase kinase 15; minus strand). Cytogenetic location: Xp22.12.
Variant type: single nucleotide variant.
Coding change: c.1621C>T on transcript NM_001001671.4 (MANE Select); coding-DNA position 1621, C replaced by T.
Protein change: p.Gln541Ter; replaces glutamine 541 with a stop codon.
Molecular consequence: nonsense.
Genome position (GRCh38, 1-based): chrX:19,413,434, G>A on the plus strand (C>T on the coding strand, the complement: MAP3K15 is on the minus strand). VCF-style: chrX-19413434-G-A. GRCh37 (hg19) VCF-style: chrX-19431552-G-A.
Other names: short protein forms Q541*.
Identifiers: ClinVar variation 3347677 (VCV003347677.2).

ClinVar aggregate classification (germline): Uncertain significance (1 of 4 stars; one submission).

Conditions:
MAP3K15-related disorder. Also called: MAP3K15-related condition.

Submission:

PreventionGenetics, part of Exact Sciences
Classification: Uncertain significance for MAP3K15-related condition. Last evaluated: 2024-11-15. Review status: criteria provided, single submitter. Criteria: ACMG Guidelines, 2015. Collection method: clinical testing. Allele origin: germline.
Comment: The MAP3K15 c.1621C>T variant is predicted to result in premature protein termination (p.Gln541*). To our knowledge, this variant has not been reported in the literature or in a large population database, indicating this variant is rare. Loss of function has not been conclusively established as a mechanism for MAP3K15-related disorders. Although we suspect that this variant may be pathogenic, at this time, the clinical significance of this variant is uncertain due to the absence of conclusive functional and genetic evidence.